The following is an entry in ClinVar:

NM_000392.5(ABCC2):c.1372G>T (p.Glu458Ter)

Gene: ABCC2 (ATP binding cassette subfamily C member 2; plus strand). Cytogenetic location: 10q24.2.
Variant type: single nucleotide variant.
Coding change: c.1372G>T on transcript NM_000392.5 (MANE Select); coding-DNA position 1372, G replaced by T.
Protein change: p.Glu458Ter; replaces glutamic acid 458 with a stop codon.
Molecular consequence: nonsense.
Genome position (GRCh38, 1-based): chr10:99,804,181, G>T. VCF-style: chr10-99804181-G-T. GRCh37 (hg19) VCF-style: chr10-101563938-G-T.
Other names: short protein forms E458*.
Identifiers: ClinVar variation 3674164 (VCV003674164.2).

ClinVar aggregate classification (germline): Pathogenic (1 of 4 stars; one submission).

Submission:

Labcorp Genetics (formerly Invitae), Labcorp
Classification: Pathogenic. Last evaluated: 2024-02-02. Review status: criteria provided, single submitter. Criteria: Invitae Variant Classification Sherloc (09022015). Collection method: clinical testing. Allele origin: germline.
Comment: This sequence change creates a premature translational stop signal (p.Glu458*) in the ABCC2 gene. It is expected to result in an absent or disrupted protein product. Loss-of-function variants in ABCC2 are known to be pathogenic (PMID: 9185779, 16549534, 16952291). This variant is not present in population databases (gnomAD no frequency). This variant has not been reported in the literature in individuals affected with ABCC2-related conditions. Algorithms developed to predict the effect of sequence changes on RNA splicing suggest that this variant may disrupt the consensus splice site. For these reasons, this variant has been classified as Pathogenic.

Literature cited by the submitters: PubMed 9185779; PubMed 16549534; PubMed 16952291.